The following is an entry in ClinVar:

ClinVar aggregate classification (germline): Benign/Likely benign. Review status: criteria provided, multiple submitters, no conflicts (2 of 4 stars). 4 submissions from 4 submitters: Benign (1); Likely benign (3). Last evaluated 2024-05-04.

Conditions:
Hereditary cancer-predisposing syndrome. Also called: Neoplastic Syndromes, Hereditary; Tumor predisposition; Hereditary Cancer Syndrome; Hereditary neoplastic syndrome. Identifiers: Orphanet 140162, MedGen C0027672, MeSH D009386, MONDO:0015356.
Familial adenomatous polyposis 1 (FAP1). Also called: FAMILIAL ADENOMATOUS POLYPOSIS 1, ATTENUATED; POLYPOSIS, ADENOMATOUS INTESTINAL. Identifiers: MedGen C2713442, MONDO:0021056, OMIM 175100. Disease mechanism: loss of function.

Allele frequency attached by ClinVar (database versions not stated): gnomAD exomes below 0.00001.
gnomAD v4.1: 1 of 1,614,194 alleles (0.000062%); highest among the groups gnomAD compares: Non-Finnish European, 0.000085%; no homozygotes.

Submissions (4):

Labcorp Genetics (formerly Invitae), Labcorp
Classification: Likely benign for Familial adenomatous polyposis 1. Last evaluated: 2024-05-04. Review status: criteria provided, single submitter. Criteria: Invitae Variant Classification Sherloc (09022015). Collection method: clinical testing. Allele origin: germline.

Myriad Genetics, Inc.
Classification: Benign for Familial adenomatous polyposis 1. Last evaluated: 2024-03-07. Review status: criteria provided, single submitter. Criteria: Myriad Autosomal Dominant, Autosomal Recessive and X-Linked Classification Criteria (2023). Collection method: clinical testing. Allele origin: unknown.
Comment: This variant is considered benign. This variant is a silent/synonymous amino acid change and it is not expected to impact splicing.

Color Diagnostics, LLC DBA Color Health
Classification: Likely benign for Hereditary cancer-predisposing syndrome. Last evaluated: 2016-05-03. Review status: criteria provided, single submitter. Criteria: ACMG Guidelines, 2015. Collection method: clinical testing. Allele origin: germline.

Ambry Genetics
Classification: Likely benign for Hereditary cancer-predisposing syndrome. Last evaluated: 2016-02-20. Review status: criteria provided, single submitter. Criteria: Ambry Variant Classification Scheme 2023. Collection method: clinical testing. Allele origin: germline.

NM_000038.6(APC):c.1857T>C (p.Thr619=)

Gene: APC (APC regulator of Wnt signaling pathway; plus strand). Cytogenetic location: 5q22.2.
Variant type: single nucleotide variant.
Coding change: c.1857T>C on transcript NM_000038.6 (MANE Select); coding-DNA position 1857, T replaced by C.
Protein change: p.Thr619=; no amino-acid change (threonine 619 retained).
Molecular consequence: synonymous variant.
Genome position (GRCh38, 1-based): chr5:112,835,064, T>C. VCF-style: chr5-112835064-T-C. GRCh37 (hg19) VCF-style: chr5-112170761-T-C.
Other names: c.1857T>C, p.Thr619= (NM_001127510.3, NM_001354895.2); c.1803T>C, p.Thr601= (NM_001127511.3); c.1911T>C, p.Thr637= (NM_001354896.2); c.1887T>C, p.Thr629= (NM_001354897.2); c.1782T>C, p.Thr594= (NM_001354898.2); c.1773T>C, p.Thr591= (NM_001354899.2); c.1734T>C, p.Thr578= (NM_001354900.2); c.1680T>C, p.Thr560= (NM_001354901.2); and 5 more.
Identifiers: ClinVar variation 482309 (VCV000482309.16), dbSNP rs1554083170, ClinGen allele CA445758885.